The following is an entry in ClinVar:

ClinVar aggregate classification (germline): Benign/Likely benign. Review status: criteria provided, multiple submitters, no conflicts (2 of 4 stars). 2 submissions from 2 submitters: Benign (1); Likely benign (1). Last evaluated 2025-05-30.

Conditions:
MYCBP2-related disorder. Also called: MYCBP2-related condition.

Allele frequency attached by ClinVar (database versions not stated): gnomAD exomes 0.00016; 1000 Genomes Project 30x 0.00078; 1000 Genomes Project 0.00080; ESP Exome Variant Server 0.00100; gnomAD 0.00109 and 0.00118; TOPMed 0.00114.
gnomAD v4.1: 403 of 1,614,028 alleles (0.025%); highest among the groups gnomAD compares: African/African-American, 0.44%; 2 homozygotes.

Submissions (2):

PreventionGenetics, part of Exact Sciences
Classification: Likely benign for MYCBP2-related condition. Last evaluated: 2025-05-30. Review status: criteria provided, single submitter. Criteria: ACMG Guidelines, 2015. Collection method: clinical testing. Allele origin: germline.
Comment: This variant is classified as likely benign based on ACMG/AMP sequence variant interpretation guidelines (Richards et al. 2015 PMID: 25741868, with internal and published modifications).

Labcorp Genetics (formerly Invitae), Labcorp
Classification: Benign. Last evaluated: 2019-12-31. Review status: criteria provided, single submitter. Criteria: Invitae Variant Classification Sherloc (09022015). Collection method: clinical testing. Allele origin: germline.

NM_015057.5(MYCBP2):c.4827G>A (p.Ala1609=)

Gene: MYCBP2 (MYC binding protein 2; minus strand). Cytogenetic location: 13q22.3.
Variant type: single nucleotide variant.
Coding change: c.4827G>A on transcript NM_015057.5 (MANE Select); coding-DNA position 4827, G replaced by A.
Protein change: p.Ala1609=; no amino-acid change (alanine 1609 retained).
Molecular consequence: synonymous variant.
Genome position (GRCh38, 1-based): chr13:77,181,815, C>T on the plus strand (G>A on the coding strand, the complement: MYCBP2 is on the minus strand). VCF-style: chr13-77181815-C-T. GRCh37 (hg19) VCF-style: chr13-77755950-C-T.
Identifiers: ClinVar variation 713358 (VCV000713358.5), dbSNP rs142887854, ClinGen allele CA7009642.
Genomic context (GRCh38, chr13:77,181,815, plus strand): 5'-TGAGTCGTTCTCTGTACTAACTTGTTTAACAATTGATCGTAGTAATACTTCTCCATCATA[C>T]GCAATCGGGAAGATGGAAGTCAGCTTAACAGACGTGTGACACAGAGCTGACATAACAGCT-3'
Protein context (NP_055872.4, residues 1599-1619): SVKLTSIFPI[Ala1609=]YDGEVLLRSI